The following is an entry in ClinVar:

ClinVar aggregate classification (germline): Uncertain significance (1 of 4 stars; one submission).

Conditions:
ANKRD1-related dilated cardiomyopathy. Identifiers: MedGen CN119551.

gnomAD v4.1: 3 of 1,614,128 alleles (0.00019%); highest among the groups gnomAD compares: Non-Finnish European, 0.00025%; no homozygotes.

Submission:

Labcorp Genetics (formerly Invitae), Labcorp
Classification: Uncertain significance for ANKRD1-related dilated cardiomyopathy. Last evaluated: 2022-01-16. Review status: criteria provided, single submitter. Criteria: Invitae Variant Classification Sherloc (09022015). Collection method: clinical testing. Allele origin: germline.
Comment: Algorithms developed to predict the effect of missense changes on protein structure and function (SIFT, PolyPhen-2, Align-GVGD) all suggest that this variant is likely to be tolerated. In summary, the available evidence is currently insufficient to determine the role of this variant in disease. Therefore, it has been classified as a Variant of Uncertain Significance. This variant has not been reported in the literature in individuals affected with ANKRD1-related conditions. This variant is present in population databases (rs775935256, gnomAD 0.0009%). This sequence change replaces alanine, which is neutral and non-polar, with glutamic acid, which is acidic and polar, at codon 20 of the ANKRD1 protein (p.Ala20Glu).

NM_014391.3(ANKRD1):c.59C>A (p.Ala20Glu)

Gene: ANKRD1 (ankyrin repeat domain 1; minus strand). Cytogenetic location: 10q23.31.
Variant type: single nucleotide variant.
Coding change: c.59C>A on transcript NM_014391.3 (MANE Select); coding-DNA position 59, C replaced by A.
Protein change: p.Ala20Glu; replaces alanine 20 with glutamic acid.
Molecular consequence: missense variant.
Genome position (GRCh38, 1-based): chr10:90,920,317, G>T on the plus strand (C>A on the coding strand, the complement: ANKRD1 is on the minus strand). VCF-style: chr10-90920317-G-T. GRCh37 (hg19) VCF-style: chr10-92680074-G-T.
Other names: short protein forms A20E.
Identifiers: ClinVar variation 2165897 (VCV002165897.4), dbSNP rs775935256, ClinGen allele CA5598851.